The following is an entry in ClinVar:

NM_000082.4(ERCC8):c.62_66del (p.Ala21fs)

Gene: ERCC8 (ERCC excision repair 8, CSA ubiquitin ligase complex subunit; minus strand). Cytogenetic location: 5q12.1.
Variant type: Deletion.
Coding change: c.62_66del on transcript NM_000082.4 (MANE Select); coding-DNA positions 62 to 66, 5 bases deleted (CAGAG; older notation c.62_66delCAGAG).
Protein change: p.Ala21fs; shifts the reading frame from alanine 21.
Molecular consequence: frameshift variant. On other transcripts: 5 prime UTR variant (2).
Genome position (GRCh38, 1-based): chr5:60,944,943-60,944,947, CTCTG deleted on the plus strand (CAGAG on the coding strand, the reverse complement: ERCC8 is on the minus strand); deleting any 5 consecutive bases within chr5:60,944,943-60,944,951 gives the same sequence; the c. name uses the placement nearest the transcript's 3' end. VCF-style (leftmost placement, unchanged base first): chr5-60944942-ACTCTG-A. GRCh37 (hg19) VCF-style: chr5-60240769-ACTCTG-A.
Other names: c.-331_-327del (NM_001007233.3); c.62_66del, p.Ala21fs (NM_001007234.3); c.-316_-312del (NM_001290285.2); short protein forms A21fs.
Identifiers: ClinVar variation 5012954 (VCV005012954.1).

ClinVar aggregate classification (germline): Pathogenic (1 of 4 stars; one submission).

Conditions:
Cockayne syndrome type 1. Also called: Cockayne syndrome type I; Cockayne syndrome classical; Cockayne syndrome classic form. Identifiers: Orphanet 191, Orphanet 90321, MedGen C0751039, MONDO:0019569, OMIM 216400.

Submission:

Myriad Genetics, Inc.
Classification: Pathogenic for Cockayne syndrome type 1. Last evaluated: 2024-04-24. Review status: criteria provided, single submitter. Criteria: Myriad Autosomal Dominant, Autosomal Recessive and X-Linked Classification Criteria (2023). Collection method: clinical testing. Allele origin: unknown.
Comment: NM_000082.3(ERCC8):c.62_66del5(A21Vfs*12) is expected to be pathogenic in the context of ERCC8-related disorders. This variant is predicted to lead to an abnormal or absent protein product due to the creation of a premature termination codon in ERCC8, a gene where loss-of-function variants are known to be pathogenic. Please note: this variant was assessed in the context of healthy population screening.